The following is an entry in ClinVar:

ClinVar aggregate classification (germline): Uncertain significance (1 of 4 stars; one submission).

Conditions:
Peroxisome biogenesis disorder 12A (Zellweger). Also called: Peroxisome biogenesis disorder 12A. Identifiers: Orphanet 912, MedGen C3554002, MONDO:0013951, OMIM 614886.

Allele frequency attached by ClinVar (database versions not stated): TOPMed below 0.00001; ExAC 0.00001; gnomAD exomes 0.00001.

Submission:

Labcorp Genetics (formerly Invitae), Labcorp
Classification: Uncertain significance for Peroxisome biogenesis disorder 12A (Zellweger). Last evaluated: 2021-08-28. Review status: criteria provided, single submitter. Criteria: Invitae Variant Classification Sherloc (09022015). Collection method: clinical testing. Allele origin: germline.
Comment: This sequence change replaces lysine with asparagine at codon 198 of the PEX19 protein (p.Lys198Asn). The lysine residue is moderately conserved and there is a moderate physicochemical difference between lysine and asparagine. This variant also falls at the last nucleotide of exon 5, which is part of the consensus splice site for this exon. This variant is present in population databases (rs773909342, ExAC 0.002%). This variant has not been reported in the literature in individuals affected with PEX19-related conditions. Algorithms developed to predict the effect of missense changes on protein structure and function are either unavailable or do not agree on the potential impact of this missense change (SIFT: "Tolerated"; PolyPhen-2: "Probably Damaging"; Align-GVGD: "Class C0"). Variants that disrupt the consensus splice site are a relatively common cause of aberrant splicing (PMID: 17576681, 9536098). Algorithms developed to predict the effect of sequence changes on RNA splicing suggest that this variant may disrupt the consensus splice site. In summary, the available evidence is currently insufficient to determine the role of this variant in disease. Therefore, it has been classified as a Variant of Uncertain Significance.

Literature cited by the submitters: PubMed 17576681; PubMed 9536098.

NM_002857.4(PEX19):c.594G>C (p.Lys198Asn)

Gene: PEX19 (peroxisomal biogenesis factor 19; minus strand). Cytogenetic location: 1q23.2.
Variant type: single nucleotide variant.
Coding change: c.594G>C on transcript NM_002857.4 (MANE Select); coding-DNA position 594, G replaced by C.
Protein change: p.Lys198Asn; replaces lysine 198 with asparagine.
Molecular consequence: missense variant. On other transcripts: non-coding transcript variant (2).
Genome position (GRCh38, 1-based): chr1:160,282,039, C>G on the plus strand (G>C on the coding strand, the complement: PEX19 is on the minus strand). VCF-style: chr1-160282039-C-G. GRCh37 (hg19) VCF-style: chr1-160251829-C-G.
Other names: c.594G>C, p.Lys198Asn (NM_001193644.1); short protein forms K198N.
Identifiers: ClinVar variation 956016 (VCV000956016.7), dbSNP rs773909342, ClinGen allele CA1197317.